The following is an entry in ClinVar:

ClinVar aggregate classification (germline): Uncertain significance (1 of 4 stars; one submission).

Allele frequency attached by ClinVar (database versions not stated): gnomAD 0.00001; gnomAD exomes 0.00001; TOPMed 0.00001; ExAC 0.00003; ESP Exome Variant Server 0.00008.
gnomAD v4.1: 21 of 1,613,760 alleles (0.0013%); highest among the groups gnomAD compares: Non-Finnish European, 0.0017%; no homozygotes.

Submission:

Labcorp Genetics (formerly Invitae), Labcorp
Classification: Uncertain significance. Last evaluated: 2021-09-30. Review status: criteria provided, single submitter. Criteria: Invitae Variant Classification Sherloc (09022015). Collection method: clinical testing. Allele origin: germline.
Comment: This sequence change falls in intron 9 of the ADAMTSL4 gene. It does not directly change the encoded amino acid sequence of the ADAMTSL4 protein. It affects a nucleotide within the consensus splice site of the intron. This variant is present in population databases (rs374946904, ExAC 0.01%). This variant has not been reported in the literature in individuals affected with ADAMTSL4-related conditions. Variants that disrupt the consensus splice site are a relatively common cause of aberrant splicing (PMID: 17576681, 9536098). Algorithms developed to predict the effect of sequence changes on RNA splicing suggest that this variant is not likely to affect RNA splicing. In summary, the available evidence is currently insufficient to determine the role of this variant in disease. Therefore, it has been classified as a Variant of Uncertain Significance.

Literature cited by the submitters: PubMed 17576681; PubMed 9536098.

NM_019032.6(ADAMTSL4):c.1576+3G>A

Genes: ADAMTSL4 (ADAMTS like 4; plus strand), ADAMTSL4-AS2 (ADAMTSL4 antisense RNA 2; minus strand). Cytogenetic location: 1q21.2.
Variant type: single nucleotide variant.
Coding change: c.1576+3G>A on transcript NM_019032.6 (MANE Select); 3 bases into the intron after coding-DNA position 1576, G replaced by A.
Molecular consequence: intron variant.
Genome position (GRCh38, 1-based): chr1:150,556,369, G>A. VCF-style: chr1-150556369-G-A. GRCh37 (hg19) VCF-style: chr1-150528845-G-A.
Other names: c.1645+3G>A (NM_001288608.2, NM_001288607.2); c.1576+3G>A (NM_001378596.1, NM_025008.5).
Identifiers: ClinVar variation 1497301 (VCV001497301.5), dbSNP rs374946904, ClinGen allele CA1078305.